The following is an entry in ClinVar:

ClinVar aggregate classification (germline): Uncertain significance (1 of 4 stars; one submission).

Conditions:
Dias-Logan syndrome. Also called: INTELLECTUAL DEVELOPMENTAL DISORDER WITH HEREDITARY PERSISTENCE OF FETAL HEMOGLOBIN; Intellectual developmental disorder with persistence of fetal hemoglobin. Identifiers: Orphanet 619233, MedGen C4310833, MONDO:0014914, OMIM 617101.

Allele frequency attached by ClinVar (database versions not stated): TOPMed below 0.00001.

Submission:

Victorian Clinical Genetics Services, Murdoch Childrens Research Institute
Classification: Uncertain significance for Dias-Logan syndrome. Last evaluated: 2021-05-06. Review status: criteria provided, single submitter. Criteria: ACMG Guidelines, 2015. Collection method: clinical testing. Allele origin: germline. Inheritance: Autosomal dominant inheritance.
Comment: Based on the classification scheme VCGS_Germline_v1.3.4, this variant is classified as VOUS. Following criteria are met: 0102 - Loss of function is a known mechanism of disease in this gene and is associated with Dias-Logan syndrome (MIM#617101). (I) 0107 - This gene is associated with autosomal dominant disease (OMIM, PMID: 27453576). (I) 0200 - Variant is predicted to result in a missense amino acid change from arginine to leucine. (I) 0219 - This variant is non-coding in an alternative transcript. In one of the five transcripts for this gene this variant is intronic however, the significance of this transcript is unknown. (I) 0251 - This variant is heterozygous. (I) 0301 - Variant is absent from gnomAD (both v2 and v3). (SP) 0503 - Missense variant consistently predicted to be tolerated by multiple in silico tools or not conserved in placental mammals with a minor amino acid change. (SB) 0604 - Variant is not located in an established domain, motif, hotspot or informative constraint region. (I) 0705 - No comparable missense variants have previous evidence for pathogenicity. (I) 0807 - This variant has no previous evidence of pathogenicity. (I) 0905 - No published segregation evidence has been identified for this variant. (I) 1007 - No published functional evidence has been identified for this variant. (I) 1208 - Inheritance information for this variant is not currently available in this individual. (I) Legend: (SP) - Supporting pathogenic, (I) - Information, (SB) - Supporting benign

Literature cited by the submitters: PubMed 27453576.

NM_022893.4(BCL11A):c.1589G>T (p.Arg530Leu)

Gene: BCL11A (BCL11 transcription factor A; minus strand). Cytogenetic location: 2p16.1.
Variant type: single nucleotide variant.
Coding change: c.1589G>T on transcript NM_022893.4 (MANE Select); coding-DNA position 1589, G replaced by T.
Protein change: p.Arg530Leu; replaces arginine 530 with leucine.
Molecular consequence: missense variant. On other transcripts: intron variant (1).
Genome position (GRCh38, 1-based): chr2:60,461,323, C>A on the plus strand (G>T on the coding strand, the complement: BCL11A is on the minus strand). VCF-style: chr2-60461323-C-A. GRCh37 (hg19) VCF-style: chr2-60688458-C-A.
Other names: c.1487G>T, p.Arg496Leu (NM_001363864.1, NM_001365609.1, NM_001405711.1 and 2 more transcripts); c.1589G>T, p.Arg530Leu (NM_001405708.1, NM_001405709.1, NM_001405710.1 and 1 more transcripts); c.1433G>T, p.Arg478Leu (NM_001405713.1, NM_001405714.1, NM_001405715.1 and 3 more transcripts); c.1331G>T, p.Arg444Leu (NM_001405717.1, NM_001405718.1, NM_001405724.1); c.1256G>T, p.Arg419Leu (NM_001405720.1, NM_001405721.1); c.1133G>T, p.Arg378Leu (NM_001405725.1, NM_001405726.1, NM_001405727.1 and 1 more transcripts); c.896G>T, p.Arg299Leu (NM_001405729.1); c.1052G>T, p.Arg351Leu (NM_001405730.1); and 2 more; short protein forms R199L, R299L, R351L, R378L, R419L, R444L, R478L, R496L.
Identifiers: ClinVar variation 1804885 (VCV001804885.1), dbSNP rs1676264706, ClinGen allele CA347037662.